The following is an entry in ClinVar:

NM_005502.4(ABCA1):c.4939G>A (p.Ala1647Thr)

Gene: ABCA1 (ATP binding cassette subfamily A member 1; minus strand). Cytogenetic location: 9q31.1.
Variant type: single nucleotide variant.
Coding change: c.4939G>A on transcript NM_005502.4 (MANE Select); coding-DNA position 4939, G replaced by A.
Protein change: p.Ala1647Thr; replaces alanine 1647 with threonine.
Molecular consequence: missense variant.
Genome position (GRCh38, 1-based): chr9:104,799,823, C>T on the plus strand (G>A on the coding strand, the complement: ABCA1 is on the minus strand). VCF-style: chr9-104799823-C-T. GRCh37 (hg19) VCF-style: chr9-107562104-C-T.
Other names: short protein forms A1647T.
Identifiers: ClinVar variation 1485249 (VCV001485249.6), dbSNP rs764283065, ClinGen allele CA5167981.
Genomic context (GRCh38, chr9:104,799,823, plus strand): 5'-TCTCCATAACCCTCTCCCTTGCCCCACTCCATCTATACAGACACAGCCACACTTACAGAG[C>T]CACCTCTGAGAGCTGCTGCTTGGTGAGATTCAGGGGATGATTGAAAGCAGTAATTCCATA-3'
Protein context (NP_005493.2, residues 1637-1657): NLTKQQLSEV[Ala1647Thr]LMTTSVDVLV

ClinVar aggregate classification (germline): Uncertain significance (1 of 4 stars; one submission).

Allele frequency attached by ClinVar (database versions not stated): ExAC 0.00001; gnomAD exomes 0.00001.
gnomAD v4.1: 3 of 1,614,164 alleles (0.00019%); highest among the groups gnomAD compares: Admixed American, 0.005%; no homozygotes.

Submission:

Labcorp Genetics (formerly Invitae), Labcorp
Classification: Uncertain significance. Last evaluated: 2022-06-20. Review status: criteria provided, single submitter. Criteria: Invitae Variant Classification Sherloc (09022015). Collection method: clinical testing. Allele origin: germline.
Comment: This sequence change replaces alanine, which is neutral and non-polar, with threonine, which is neutral and polar, at codon 1647 of the ABCA1 protein (p.Ala1647Thr). In summary, the available evidence is currently insufficient to determine the role of this variant in disease. Therefore, it has been classified as a Variant of Uncertain Significance. Algorithms developed to predict the effect of sequence changes on RNA splicing suggest that this variant may create or strengthen a splice site. Algorithms developed to predict the effect of missense changes on protein structure and function are either unavailable or do not agree on the potential impact of this missense change (SIFT: "Deleterious"; PolyPhen-2: "Benign"; Align-GVGD: "Class C0"). This variant has not been reported in the literature in individuals affected with ABCA1-related conditions. This variant is present in population databases (rs764283065, gnomAD 0.009%).